The following is an entry in ClinVar:

ClinVar aggregate classification (germline): Uncertain significance (1 of 4 stars; one submission).

Conditions:
Epidermolysis bullosa simplex with nail dystrophy (EBS5D). Identifiers: MedGen C4225309, MONDO:0014661, OMIM 616487.
Epidermolysis bullosa simplex, Ogna type (EBS5A). Also called: EPIDERMOLYSIS BULLOSA SIMPLEX 5A, OGNA TYPE; Pidermolysis bullosa simplex 5A, Ogna type. Identifiers: Orphanet 79401, MedGen C0432317, MONDO:0007555, OMIM 131950.
Autosomal recessive limb-girdle muscular dystrophy type 2Q (LGMDR17). Also called: MUSCULAR DYSTROPHY, LIMB-GIRDLE, AUTOSOMAL RECESSIVE 17. Identifiers: Orphanet 254361, MedGen C3150989, MONDO:0013390, OMIM 613723.
Epidermolysis bullosa simplex 5B, with muscular dystrophy (EBS5B). Also called: EPIDERMOLYSIS BULLOSA SIMPLEX AND LIMB-GIRDLE MUSCULAR DYSTROPHY; Epidermolysis bullosa simplex with muscular dystrophy. Identifiers: Orphanet 257, MedGen C2931072, MONDO:0009181, OMIM 226670.
Epidermolysis bullosa simplex 5C, with pyloric atresia (EBS5C). Also called: PLEC-Related Epidermolysis Bullosa with Pyloric Atresia; Epidermolysis bullosa simplex with pyloric atresia; PLEC1-Related Epidermolysis Bullosa with Pyloric Atresia. Identifiers: Orphanet 158684, MedGen C2677349, MONDO:0012807, OMIM 612138.

gnomAD v4.1: 23 of 1,610,994 alleles (0.0014%); highest among the groups gnomAD compares: East Asian, 0.0022%; no homozygotes.

Submission:

Labcorp Genetics (formerly Invitae), Labcorp
Classification: Uncertain significance for Autosomal recessive limb-girdle muscular dystrophy type 2Q; Epidermolysis bullosa simplex, Ogna type; Epidermolysis bullosa simplex with nail dystrophy; Epidermolysis bullosa simplex 5C, with pyloric atresia; Epidermolysis bullosa simplex 5B, with muscular dystrophy. Last evaluated: 2026-01-06. Review status: criteria provided, single submitter. Criteria: Invitae Variant Classification Sherloc (09022015). Collection method: clinical testing. Allele origin: germline.
Comment: This sequence change replaces arginine, which is basic and polar, with glutamine, which is neutral and polar, at codon 717 of the PLEC protein (p.Arg717Gln). This variant is present in population databases (rs781917708, gnomAD 0.01%). This variant has not been reported in the literature in individuals affected with PLEC-related conditions. Invitae Evidence Modeling of protein sequence and biophysical properties (such as structural, functional, and spatial information, amino acid conservation, physicochemical variation, residue mobility, and thermodynamic stability) indicates that this missense variant is not expected to disrupt PLEC protein function with a negative predictive value of 80%. In summary, the available evidence is currently insufficient to determine the role of this variant in disease. Therefore, it has been classified as a Variant of Uncertain Significance.

NM_201384.3(PLEC):c.2069G>A (p.Arg690Gln)

Gene: PLEC (plectin; minus strand). Cytogenetic location: 8q24.3.
Variant type: single nucleotide variant.
Coding change: c.2069G>A on transcript NM_201384.3 (MANE Select); coding-DNA position 2069, G replaced by A.
Protein change: p.Arg690Gln; replaces arginine 690 with glutamine.
Molecular consequence: missense variant.
Genome position (GRCh38, 1-based): chr8:143,932,143, C>T on the plus strand (G>A on the coding strand, the complement: PLEC is on the minus strand). VCF-style: chr8-143932143-C-T. GRCh37 (hg19) VCF-style: chr8-145006311-C-T.
Other names: c.2150G>A, p.Arg717Gln (NM_000445.5, NM_001410941.1); c.2027G>A, p.Arg676Gln (NM_201378.4); c.2003G>A, p.Arg668Gln (NM_201379.3); c.2480G>A, p.Arg827Gln (NM_201380.4); c.1973G>A, p.Arg658Gln (NM_201381.3); c.2069G>A, p.Arg690Gln (NM_201382.4); c.2081G>A, p.Arg694Gln (NM_201383.3); short protein forms R658Q, R668Q, R694Q, R827Q, R676Q, R717Q, R690Q.
Identifiers: ClinVar variation 4790399 (VCV004790399.1).